The following is an entry in ClinVar:

NM_182493.3(MYLK3):c.466A>T (p.Ser156Cys)

Gene: MYLK3 (myosin light chain kinase 3; minus strand). Cytogenetic location: 16q11.2.
Variant type: single nucleotide variant.
Coding change: c.466A>T on transcript NM_182493.3 (MANE Select); coding-DNA position 466, A replaced by T.
Protein change: p.Ser156Cys; replaces serine 156 with cysteine.
Molecular consequence: missense variant. On other transcripts: intron variant (1).
Genome position (GRCh38, 1-based): chr16:46,747,728, T>A on the plus strand (A>T on the coding strand, the complement: MYLK3 is on the minus strand). VCF-style: chr16-46747728-T-A. GRCh37 (hg19) VCF-style: chr16-46781640-T-A.
Other names: c.-113-7581A>T (NM_001308301.1); short protein forms S156C.
Identifiers: ClinVar variation 3649808 (VCV003649808.2).

ClinVar aggregate classification (germline): Uncertain significance (1 of 4 stars; one submission).

gnomAD v4.1: 1 of 1,613,524 alleles (0.000062%); highest among the groups gnomAD compares: South Asian, 0.0011%; no homozygotes.

Submission:

Labcorp Genetics (formerly Invitae), Labcorp
Classification: Uncertain significance. Last evaluated: 2024-04-14. Review status: criteria provided, single submitter. Criteria: Invitae Variant Classification Sherloc (09022015). Collection method: clinical testing. Allele origin: germline.
Comment: This sequence change replaces serine, which is neutral and polar, with cysteine, which is neutral and slightly polar, at codon 156 of the MYLK3 protein (p.Ser156Cys). This variant is not present in population databases (gnomAD no frequency). This variant has not been reported in the literature in individuals affected with MYLK3-related conditions. An algorithm developed to predict the effect of missense changes on protein structure and function (PolyPhen-2) suggests that this variant is likely to be disruptive. In summary, the available evidence is currently insufficient to determine the role of this variant in disease. Therefore, it has been classified as a Variant of Uncertain Significance.